The following is an entry in ClinVar:

NM_001378120.1(MBD5):c.1639G>A (p.Gly547Arg)

Gene: MBD5 (methyl-CpG binding domain protein 5; plus strand). Cytogenetic location: 2q23.1.
Variant type: single nucleotide variant.
Coding change: c.1639G>A on transcript NM_001378120.1 (MANE Select); coding-DNA position 1639, G replaced by A.
Protein change: p.Gly547Arg; replaces glycine 547 with arginine.
Molecular consequence: missense variant.
Genome position (GRCh38, 1-based): chr2:148,469,582, G>A. VCF-style: chr2-148469582-G-A. GRCh37 (hg19) VCF-style: chr2-149227151-G-A.
Other names: c.1639G>A, p.Gly547Arg (NM_018328.5); short protein forms G547R.
Identifiers: ClinVar variation 1043473 (VCV001043473.43), dbSNP rs116235310, ClinGen allele CA1900044.

ClinVar aggregate classification (germline): Uncertain significance. Review status: criteria provided, multiple submitters, no conflicts (2 of 4 stars). 2 submissions from 2 submitters: Uncertain significance (2). Last evaluated 2024-11-26.

Conditions:
Intellectual developmental disorder, autosomal dominant 1. Also called: Intellectual disability, autosomal dominant 1; MBD5 Haploinsufficiency. Identifiers: Orphanet 228402, MedGen C1969562, MONDO:0007974, OMIM 156200.

Allele frequency attached by ClinVar (database versions not stated): ESP Exome Variant Server 0.00008; ExAC 0.00002; TOPMed below 0.00001; gnomAD 0.00001; gnomAD exomes 0.00001.

Submissions (3):

Labcorp Genetics (formerly Invitae), Labcorp
Classification: Uncertain significance for Intellectual developmental disorder, autosomal dominant 1. Last evaluated: 2024-11-26. Review status: criteria provided, single submitter. Criteria: Invitae Variant Classification Sherloc (09022015). Collection method: clinical testing. Allele origin: germline.
Comment: This sequence change replaces glycine, which is neutral and non-polar, with arginine, which is basic and polar, at codon 547 of the MBD5 protein (p.Gly547Arg). This variant is present in population databases (rs116235310, gnomAD 0.002%). This variant has not been reported in the literature in individuals affected with MBD5-related conditions. ClinVar contains an entry for this variant (Variation ID: 1043473). Invitae Evidence Modeling of protein sequence and biophysical properties (such as structural, functional, and spatial information, amino acid conservation, physicochemical variation, residue mobility, and thermodynamic stability) indicates that this missense variant is not expected to disrupt MBD5 protein function with a negative predictive value of 80%. In summary, the available evidence is currently insufficient to determine the role of this variant in disease. Therefore, it has been classified as a Variant of Uncertain Significance.

CeGaT Center for Human Genetics Tuebingen
Classification: Uncertain significance. Last evaluated: 2021-06-01. Review status: criteria provided, single submitter. Criteria: CeGaT Center For Human Genetics Tuebingen Variant Classification Criteria Version 2. Collection method: clinical testing. Allele origin: germline. Affected: yes. Observed: 1 variant allele.

Dr. Peter K. Rogan Lab, Western University
No classification provided (evidence only). Condition: Malignant tumor of urinary bladder. Review status: no classification provided. Collection method: in vitro. Allele origin: not applicable. Functional consequence: retained intron. Not counted in ClinVar's aggregate classification.